The following is an entry in ClinVar:

NM_001378120.1(MBD5):c.460G>A (p.Glu154Lys)

Gene: MBD5 (methyl-CpG binding domain protein 5; plus strand). Cytogenetic location: 2q23.1.
Variant type: single nucleotide variant.
Coding change: c.460G>A on transcript NM_001378120.1 (MANE Select); coding-DNA position 460, G replaced by A.
Protein change: p.Glu154Lys; replaces glutamic acid 154 with lysine.
Molecular consequence: missense variant.
Genome position (GRCh38, 1-based): chr2:148,468,403, G>A. VCF-style: chr2-148468403-G-A. GRCh37 (hg19) VCF-style: chr2-149225972-G-A.
Other names: c.460G>A, p.Glu154Lys (NM_018328.5); short protein forms E154K.
Identifiers: ClinVar variation 3644827 (VCV003644827.2).

ClinVar aggregate classification (germline): Uncertain significance (1 of 4 stars; one submission).

Conditions:
Intellectual developmental disorder, autosomal dominant 1. Also called: MBD5 Haploinsufficiency; Intellectual disability, autosomal dominant 1. Identifiers: Orphanet 228402, MedGen C1969562, MONDO:0007974, OMIM 156200.

Submission:

Labcorp Genetics (formerly Invitae), Labcorp
Classification: Uncertain significance for Intellectual developmental disorder, autosomal dominant 1. Last evaluated: 2024-03-07. Review status: criteria provided, single submitter. Criteria: Invitae Variant Classification Sherloc (09022015). Collection method: clinical testing. Allele origin: germline.
Comment: This sequence change replaces glutamic acid, which is acidic and polar, with lysine, which is basic and polar, at codon 154 of the MBD5 protein (p.Glu154Lys). This variant is not present in population databases (gnomAD no frequency). This variant has not been reported in the literature in individuals affected with MBD5-related conditions. Advanced modeling of protein sequence and biophysical properties (such as structural, functional, and spatial information, amino acid conservation, physicochemical variation, residue mobility, and thermodynamic stability) performed at Invitae indicates that this missense variant is not expected to disrupt MBD5 protein function with a negative predictive value of 80%. In summary, the available evidence is currently insufficient to determine the role of this variant in disease. Therefore, it has been classified as a Variant of Uncertain Significance.